The following is an entry in ClinVar:

NM_000059.4(BRCA2):c.6925A>G (p.Ser2309Gly)

Gene: BRCA2 (BRCA2 DNA repair associated; plus strand). Cytogenetic location: 13q13.1.
Variant type: single nucleotide variant.
Coding change: c.6925A>G on transcript NM_000059.4 (MANE Select); coding-DNA position 6925, A replaced by G.
Protein change: p.Ser2309Gly; replaces serine 2309 with glycine.
Molecular consequence: missense variant.
Genome position (GRCh38, 1-based): chr13:32,344,641, A>G. VCF-style: chr13-32344641-A-G. GRCh37 (hg19) VCF-style: chr13-32918778-A-G.
Other names: c.6925A>G, p.Ser2309Gly (NM_001406720.1); c.1993A>G, p.Ser665Gly (NM_001406721.1); c.508A>G, p.Ser170Gly (NM_001406722.1); short protein forms S170G, S2309G, S665G.
Identifiers: ClinVar variation 2133293 (VCV002133293.4), dbSNP rs2137537371, ClinGen allele CA387792934.
Genomic context (GRCh38, chr13:32,344,641, plus strand): 5'-TTATTAAATGAATTTGACAGGATAATAGAAAATCAAGAAAAATCCTTAAAGGCTTCAAAA[A>G]GCACTCCAGATGGTAAAATTAGCTTTTTATTTATATCTGTTCTCCCTCTATAGGTATGGT-3'
Protein context (NP_000050.3, residues 2299-2319): NQEKSLKASK[Ser2309Gly]TPDGTIKDRR

ClinVar aggregate classification (germline): Uncertain significance (1 of 4 stars; one submission).

Conditions:
Hereditary breast ovarian cancer syndrome. Also called: Hereditary breast and ovarian cancer; Hereditary breast and/or ovarian cancer syndrome; Hereditary breast and ovarian cancer syndrome (HBOC); Breast and ovarian cancer; Hereditary breast and ovarian cancer syndrome; BRCA1- and BRCA2-Associated Hereditary Breast and Ovarian Cancer. Identifiers: Orphanet 145, MedGen C0677776, MeSH D061325, MONDO:0003582. Disease mechanism: loss of function.

Submission:

Labcorp Genetics (formerly Invitae), Labcorp
Classification: Uncertain significance for Hereditary breast ovarian cancer syndrome. Last evaluated: 2022-05-03. Review status: criteria provided, single submitter. Criteria: Invitae Variant Classification Sherloc (09022015). Collection method: clinical testing. Allele origin: germline.
Comment: In summary, the available evidence is currently insufficient to determine the role of this variant in disease. Therefore, it has been classified as a Variant of Uncertain Significance. Advanced modeling of protein sequence and biophysical properties (such as structural, functional, and spatial information, amino acid conservation, physicochemical variation, residue mobility, and thermodynamic stability) performed at Invitae indicates that this missense variant is not expected to disrupt BRCA2 protein function. This variant has not been reported in the literature in individuals affected with BRCA2-related conditions. This variant is not present in population databases (gnomAD no frequency). This sequence change replaces serine, which is neutral and polar, with glycine, which is neutral and non-polar, at codon 2309 of the BRCA2 protein (p.Ser2309Gly).